The following is an entry in ClinVar:

ClinVar aggregate classification (germline): Likely benign (0 of 4 stars; one submission).

Conditions:
HMGB3-related disorder. Also called: HMGB3-related condition.

Submission:

PreventionGenetics, part of Exact Sciences
Classification: Likely benign for HMGB3-related condition. Last evaluated: 2022-11-02. Review status: no assertion criteria provided. Collection method: clinical testing. Allele origin: germline.
Comment: This variant is classified as likely benign based on ACMG/AMP sequence variant interpretation guidelines (Richards et al. 2015 PMID: 25741868, with internal and published modifications).

NM_005342.4(HMGB3):c.576GGA[5] (p.Glu197_Glu198del)

Gene: HMGB3 (high mobility group box 3; plus strand). Cytogenetic location: Xq28.
Variant type: Microsatellite.
Coding change: c.576GGA[5] on transcript NM_005342.4 (MANE Select); five copies in a row of the 3-base unit GGA starting at c.576; the reference has seven copies in a row; two copies, 6 bases deleted.
Protein change: p.Glu197_Glu198del.
Genome position (GRCh38, 1-based): chrX:150,987,902-150,987,907, GGAGGA deleted; deleting any 6 consecutive bases within chrX:150,987,885-150,987,907 gives the same sequence; the position shown is the placement nearest the transcript's 3' end. VCF-style (leftmost placement, unchanged base first): chrX-150987884-AGAGGAG-A. GRCh37 (hg19) VCF-style: chrX-150156357-AGAGGAG-A.
Other names: c.576GGA[5], p.Glu197_Glu198del (NM_001301228.2, NM_001301229.2); c.636GGA[5], p.Glu217_Glu218del (NM_001301231.2).
Identifiers: ClinVar variation 3033754 (VCV003033754.2), dbSNP rs782021512, ClinGen allele CA10540144.
Genomic context (GRCh38, chrX:150,987,884, plus strand): 5'-TCCTGCTAAAGTTGCCCGGAAAAAGGTGGAAGAGGAAGATGAAGAAGAGGAGGAGGAAGA[AGAGGAG>A]GAGGAGGAGGAGGAGGATGAATAAAGAAACTGTTTATCTGTCTCCTTGTGAATACTTAGA-3'